The following is an entry in ClinVar:

ClinVar aggregate classification (germline): Conflicting classifications of pathogenicity. Review status: criteria provided, conflicting classifications (1 of 4 stars). 8 submissions from 8 submitters: Uncertain significance (7); Likely benign (1). Last evaluated 2026-01-05.

Conditions:
Hereditary cancer-predisposing syndrome. Also called: Tumor predisposition; Hereditary Cancer Syndrome; Hereditary neoplastic syndrome; Neoplastic Syndromes, Hereditary. Identifiers: Orphanet 140162, MedGen C0027672, MeSH D009386, MONDO:0015356.
Familial cancer of breast. Also called: BREAST CANCER, FAMILIAL; hereditary breast carcinoma; Hereditary breast cancer. Identifiers: Orphanet 227535, MedGen C0346153, MONDO:0016419, OMIM 114480. Disease mechanism: loss of function.
Fanconi anemia complementation group J. Also called: BRIP1-Related Fanconi Anemia. Identifiers: Orphanet 84, MedGen C1836860, MONDO:0012187, OMIM 609054.

Allele frequency attached by ClinVar (database versions not stated): gnomAD 0.00001; gnomAD exomes 0.00001 and 0.00002; TOPMed 0.00001.
gnomAD v4.1: 40 of 1,613,580 alleles (0.0025%); highest among the groups gnomAD compares: Non-Finnish European, 0.0031%; no homozygotes.

Submissions (8):

Labcorp Genetics (formerly Invitae), Labcorp
Classification: Uncertain significance for Familial cancer of breast; Fanconi anemia complementation group J. Last evaluated: 2026-01-05. Review status: criteria provided, single submitter. Criteria: Invitae Variant Classification Sherloc (09022015). Collection method: clinical testing. Allele origin: germline.
Comment: This sequence change replaces lysine, which is basic and polar, with glutamic acid, which is acidic and polar, at codon 979 of the BRIP1 protein (p.Lys979Glu). This variant is present in population databases (rs730881627, gnomAD 0.002%). This missense change has been observed in individual(s) with ovarian cancer (PMID: 26315354, 26921362, 31822495). ClinVar contains an entry for this variant (Variation ID: 182336). Invitae Evidence Modeling of protein sequence and biophysical properties (such as structural, functional, and spatial information, amino acid conservation, physicochemical variation, residue mobility, and thermodynamic stability) indicates that this missense variant is not expected to disrupt BRIP1 protein function with a negative predictive value of 95%. In summary, the available evidence is currently insufficient to determine the role of this variant in disease. Therefore, it has been classified as a Variant of Uncertain Significance.

Color Diagnostics, LLC DBA Color Health
Classification: Uncertain significance for Hereditary cancer-predisposing syndrome. Last evaluated: 2025-11-13. Review status: criteria provided, single submitter. Criteria: ACMG Guidelines, 2015. Collection method: clinical testing. Allele origin: germline.
Comment: This missense variant replaces lysine with glutamic acid at codon 979 of the BRIP1 protein. Computational prediction suggests that this variant may not impact protein structure and function. To our knowledge, functional studies have not been reported for this variant. This variant has been reported in individuals affected with breast and ovarian cancer in the literature (PMID: 26315354, 31822495). This variant has been identified in 3/250862 chromosomes in the general population by the Genome Aggregation Database (gnomAD). The available evidence is insufficient to determine the role of this variant in disease conclusively. Therefore, this variant is classified as a Variant of Uncertain Significance.

GeneDx
Classification: Uncertain significance. Last evaluated: 2024-06-18. Review status: criteria provided, single submitter. Criteria: GeneDx Variant Classification Process June 2021. Collection method: clinical testing. Allele origin: germline. Affected: yes.
Comment: Observed in individuals with ovarian cancer or breast cancer in published literature (PMID: 26315354, 26921362, 31822495); Not observed at significant frequency in large population cohorts (gnomAD); In silico analysis indicates that this missense variant does not alter protein structure/function; This variant is associated with the following publications: (PMID: 26315354, 26921362, 31822495, 11301010, 34326862)

Ambry Genetics
Classification: Likely benign for Hereditary cancer-predisposing syndrome. Last evaluated: 2024-04-19. Review status: criteria provided, single submitter. Criteria: Ambry Variant Classification Scheme 2023. Collection method: clinical testing. Allele origin: germline.

Baylor Genetics
Classification: Uncertain significance for Familial cancer of breast. Last evaluated: 2024-03-05. Review status: criteria provided, single submitter. Criteria: ACMG Guidelines, 2015. Collection method: clinical testing. Allele origin: unknown.

St. Jude Molecular Pathology, St. Jude Children's Research Hospital
Classification: Uncertain significance for Fanconi anemia complementation group J. Last evaluated: 2022-05-16. Review status: criteria provided, single submitter. Criteria: St. Jude Assertion Criteria 2020. Collection method: clinical testing. Allele origin: germline.
Comment: The BRIP1 c.2935A>G (p.Lys979Glu) missense change has a maximum subpopulation frequency of 0.0018% in gnomAD v2.1.1. It is predicted to have a benign effect on protein function (BP4), but to our knowledge this prediction has not been confirmed by functional studies. This variant has been reported in individuals with breast cancer (PMID: 26921362, 31822495) and ovarian cancer (PMID: 26315354). To our knowledge, this variant has not been reported in individuals with Fanconi anemia. In summary, this variant meets criteria to be classified as of uncertain significance based on the ACMG/AMP criteria: BP4.

Sema4
Classification: Uncertain significance for Hereditary cancer-predisposing syndrome. Last evaluated: 2022-02-08. Review status: criteria provided, single submitter. Criteria: Sema4 Curation Guidelines. Collection method: curation. Allele origin: germline.
Comment: The BRIP1 c.2935A>G (p.K979E) variant has been reported in heterozygosity in at least nine individuals with breast cancer and/or ovarian cancer (PMID: 26315354, 26921362, 31822495, 33471991); however, it has also been reported in one control individual from a large breast cancer study (PMID: 33471991). This variant was observed in 2/113524 chromosomes in the Non-Finnish European population, according to the Genome Aggregation Database (PMID: 32461654). The variant has been reported in ClinVar (Variation ID: 182336). In silico tools suggest the impact of the variant on protein function is benign, though these predictions have not been confirmed by functional studies. The evidence is insufficient to meet ACMG/AMP criteria for classifying the variant as benign or pathogenic. Thus, the clinical significance of this variant is currently uncertain.

Department of Pathology and Laboratory Medicine, Sinai Health System
Classification: Uncertain significance for Familial cancer of breast. Last evaluated: 2020-09-23. Review status: criteria provided, single submitter. Criteria: ACMG Guidelines, 2015. Collection method: clinical testing. Allele origin: germline. Affected: yes.

Literature cited by the submitters: PubMed 26315354 (cited by 5 submitters); PubMed 26921362 (cited by 4 submitters); PubMed 31822495 (cited by 5 submitters); PubMed 33471991 (cited by Sema4).

NM_032043.3(BRIP1):c.2935A>G (p.Lys979Glu)

Gene: BRIP1 (BRCA1 interacting DNA helicase 1; minus strand). Cytogenetic location: 17q23.2.
Variant type: single nucleotide variant.
Coding change: c.2935A>G on transcript NM_032043.3 (MANE Select); coding-DNA position 2935, A replaced by G.
Protein change: p.Lys979Glu; replaces lysine 979 with glutamic acid.
Molecular consequence: missense variant.
Genome position (GRCh38, 1-based): chr17:61,684,111, T>C on the plus strand (A>G on the coding strand, the complement: BRIP1 is on the minus strand). VCF-style: chr17-61684111-T-C. GRCh37 (hg19) VCF-style: chr17-59761472-T-C.
Other names: p.K979E:AAA>GAA; short protein forms K979E.
Identifiers: ClinVar variation 182336 (VCV000182336.31), dbSNP rs730881627, ClinGen allele CA298844.